The following is an entry in ClinVar:

ClinVar aggregate classification (germline): Uncertain significance (1 of 4 stars; one submission).

Submission:

Ambry Genetics
Classification: Uncertain significance. Last evaluated: 2025-04-05. Review status: criteria provided, single submitter. Criteria: Ambry Variant Classification Scheme 2023. Collection method: clinical testing. Allele origin: germline.
Comment: The p.A35P variant (also known as c.103G>C), located in coding exon 1 of the RNF43 gene, results from a G to C substitution at nucleotide position 103. The alanine at codon 35 is replaced by proline, an amino acid with highly similar properties. This amino acid position is conserved. In addition, the in silico prediction for this alteration is inconclusive. Based on the available evidence, the clinical significance of this variant remains unclear.

NM_017763.6(RNF43):c.103G>C (p.Ala35Pro)

Gene: RNF43 (ring finger protein 43; minus strand). Cytogenetic location: 17q22.
Variant type: single nucleotide variant.
Coding change: c.103G>C on transcript NM_017763.6 (MANE Select); coding-DNA position 103, G replaced by C.
Protein change: p.Ala35Pro; replaces alanine 35 with proline.
Molecular consequence: missense variant.
Genome position (GRCh38, 1-based): chr17:58,415,475, C>G on the plus strand (G>C on the coding strand, the complement: RNF43 is on the minus strand). VCF-style: chr17-58415475-C-G. GRCh37 (hg19) VCF-style: chr17-56492836-C-G.
Other names: c.103G>C, p.Ala35Pro (NM_001305544.3); short protein forms A35P.
Identifiers: ClinVar variation 3946845 (VCV003946845.1).